The following is an entry in ClinVar:

NM_018896.5(CACNA1G):c.5126G>A (p.Arg1709His)

Gene: CACNA1G (calcium voltage-gated channel subunit alpha1 G; plus strand). Cytogenetic location: 17q21.33.
Variant type: single nucleotide variant.
Coding change: c.5126G>A on transcript NM_018896.5 (MANE Select); coding-DNA position 5126, G replaced by A.
Protein change: p.Arg1709His; replaces arginine 1709 with histidine.
Molecular consequence: missense variant. On other transcripts: non-coding transcript variant (5).
Genome position (GRCh38, 1-based): chr17:50,617,542, G>A. VCF-style: chr17-50617542-G-A. GRCh37 (hg19) VCF-style: chr17-48694903-G-A.
Other names: c.5072G>A, p.Arg1691His (NM_001256324.2, NM_001256328.2, NM_198386.3); c.5147G>A, p.Arg1716His (NM_001256325.2); c.4991G>A, p.Arg1664His (NM_001256326.2, NM_001256330.2); c.5126G>A, p.Arg1709His (NM_001256327.2, NM_001256333.2, NM_198384.3 and 1 more transcripts); c.5024G>A, p.Arg1675His (NM_001256329.2, NM_198376.3, NM_198379.3 and 2 more transcripts); c.4970G>A, p.Arg1657His (NM_001256331.2); c.4955G>A, p.Arg1652His (NM_001256332.2); c.5093G>A, p.Arg1698His (NM_001256334.2, NM_198377.3, NM_198378.3 and 1 more transcripts); and 5 more; short protein forms R1652H, R1657H, R1664H, R1668H, R1671H, R1673H, R1675H, R1682H.
Identifiers: ClinVar variation 3572928 (VCV003572928.2), dbSNP rs758591579.

ClinVar aggregate classification (germline): Uncertain significance (1 of 4 stars; one submission).

Conditions:
Spinocerebellar ataxia type 42. Identifiers: Orphanet 458803, MedGen C4225205, MONDO:0014776, OMIM 616795.

gnomAD v4.1: 5 of 1,613,890 alleles (0.00031%); highest among the groups gnomAD compares: African/African-American, 0.0027%; no homozygotes.

Submission:

Institute of Human Genetics, University of Goettingen
Classification: Uncertain significance for Spinocerebellar ataxia type 42. Last evaluated: 2025-01-15. Review status: criteria provided, single submitter. Criteria: ACMG Guidelines, 2015. Collection method: clinical testing. Allele origin: unknown. Inheritance: Autosomal dominant inheritance. Observed: 1 heterozygote.
Comment: The NM_018896.5(CACNA1G):c.5126G>A ​(p.Arg1709His) variant causes a missense change involving the alteration of a conserved nucleotide. The variant allele was found at a frequency of 0.0000031 in 1,613,890 control chromosomes in the GnomAD database, with no homozygous occurrence. In-silico tool predicts a pathogenic outcome for this variant. 13/21 in silico tools predict a damaging outcome for this variant. No clinical diagnostic laboratories have submitted clinical-significance assessments for this variant to ClinVar. Another variant affecting the same amino acid position, but resulting in a different missense (i.e. R1709C) has been classified as Uncertain significance. ACMG criteria used for classification: PM2_SUP, PP3.